The following is an entry in ClinVar:

NM_024757.5(EHMT1):c.824-5T>A

Gene: EHMT1 (euchromatic histone lysine methyltransferase 1; plus strand). Cytogenetic location: 9q34.3.
Variant type: single nucleotide variant.
Coding change: c.824-5T>A on transcript NM_024757.5 (MANE Select); 5 bases into the intron before coding-DNA position 824, T replaced by A.
Molecular consequence: intron variant.
Genome position (GRCh38, 1-based): chr9:137,743,366, T>A. VCF-style: chr9-137743366-T-A. GRCh37 (hg19) VCF-style: chr9-140637818-T-A.
Other names: c.824-26T>A (NM_001354263.2); c.731-5T>A (NM_001354259.2, NM_001354612.2); c.824-5T>A (NM_001145527.2, NM_001354611.2).
Identifiers: ClinVar variation 3007827 (VCV003007827.3), dbSNP rs2541598700, ClinGen allele CA2692879726.

ClinVar aggregate classification (germline): Uncertain significance (1 of 4 stars; one submission).

Conditions:
Kleefstra syndrome 1 (KLEFS1). Identifiers: Orphanet 261494, MedGen C0795833, MONDO:0027407, OMIM 610253.

Allele frequency attached by ClinVar (database versions not stated): gnomAD exomes below 0.00001.
gnomAD v4.1: 1 of 1,588,412 alleles (0.000063%); highest among the groups gnomAD compares: African/African-American, 0.0014%; no homozygotes.

Submission:

Labcorp Genetics (formerly Invitae), Labcorp
Classification: Uncertain significance for Kleefstra syndrome 1. Last evaluated: 2023-10-05. Review status: criteria provided, single submitter. Criteria: Invitae Variant Classification Sherloc (09022015). Collection method: clinical testing. Allele origin: germline.
Comment: This sequence change falls in intron 4 of the EHMT1 gene. It does not directly change the encoded amino acid sequence of the EHMT1 protein. This variant is not present in population databases (gnomAD no frequency). This variant has not been reported in the literature in individuals affected with EHMT1-related conditions. Algorithms developed to predict the effect of sequence changes on RNA splicing suggest that this variant may disrupt the consensus splice site. In summary, the available evidence is currently insufficient to determine the role of this variant in disease. Therefore, it has been classified as a Variant of Uncertain Significance.